The following is an entry in ClinVar:

NM_000051.4(ATM):c.3248A>G (p.His1083Arg)

Gene: ATM (ATM serine/threonine kinase; plus strand). Cytogenetic location: 11q22.3.
Variant type: single nucleotide variant.
Coding change: c.3248A>G on transcript NM_000051.4 (MANE Select); coding-DNA position 3248, A replaced by G.
Protein change: p.His1083Arg; replaces histidine 1083 with arginine.
Molecular consequence: missense variant.
Genome position (GRCh38, 1-based): chr11:108,272,816, A>G. VCF-style: chr11-108272816-A-G. GRCh37 (hg19) VCF-style: chr11-108143543-A-G.
Other names: c.3248A>G, p.His1083Arg (NM_001351834.2); short protein forms H1083R.
Identifiers: ClinVar variation 1013733 (VCV001013733.13), dbSNP rs2081667850, ClinGen allele CA382516045.

ClinVar aggregate classification (germline): Pathogenic/Likely pathogenic. Review status: criteria provided, multiple submitters, no conflicts (2 of 4 stars). 5 submissions from 5 submitters: Pathogenic (1); Likely pathogenic (4). Last evaluated 2024-11-15.

Conditions:
Hereditary cancer-predisposing syndrome. Also called: Tumor predisposition; Hereditary Cancer Syndrome; Neoplastic Syndromes, Hereditary; Hereditary neoplastic syndrome. Identifiers: Orphanet 140162, MedGen C0027672, MeSH D009386, MONDO:0015356.
Familial cancer of breast. Also called: hereditary breast carcinoma; BREAST CANCER, FAMILIAL; Hereditary breast cancer. Identifiers: Orphanet 227535, MedGen C0346153, MONDO:0016419, OMIM 114480. Disease mechanism: loss of function.
Ataxia-telangiectasia syndrome (AT). Also called: Cerebello-oculocutaneous telangiectasia; Immunodeficiency with ataxia telangiectasia; ATAXIA-TELANGIECTASIA, COMPLEMENTATION GROUP A; ATAXIA-TELANGIECTASIA, FRESNO VARIANT; LOUIS-BAR SYNDROME; Ataxia-telangiectasia, complementation group E. Identifiers: Orphanet 100, MedGen C0004135, MONDO:0008840, OMIM 208900.

gnomAD v4.1: 6 of 1,614,090 alleles (0.00037%); highest among the groups gnomAD compares: Non-Finnish European, 0.00051%; no homozygotes.

Submissions (5):

Labcorp Genetics (formerly Invitae), Labcorp
Classification: Pathogenic for Ataxia-telangiectasia syndrome. Last evaluated: 2024-11-15. Review status: criteria provided, single submitter. Criteria: Invitae Variant Classification Sherloc (09022015). Collection method: clinical testing. Allele origin: germline.
Comment: This sequence change replaces histidine, which is basic and polar, with arginine, which is basic and polar, at codon 1083 of the ATM protein (p.His1083Arg). This variant is not present in population databases (gnomAD no frequency). This missense change has been observed in individual(s) with ataxia telangiectasia (PMID: 12552559, 18634022, 21665257, 25122203; internal data). In at least one individual the data is consistent with being in trans (on the opposite chromosome) from a pathogenic variant. ClinVar contains an entry for this variant (Variation ID: 1013733). Invitae Evidence Modeling of protein sequence and biophysical properties (such as structural, functional, and spatial information, amino acid conservation, physicochemical variation, residue mobility, and thermodynamic stability) indicates that this missense variant is not expected to disrupt ATM protein function with a negative predictive value of 95%. Experimental studies have shown that this missense change affects ATM function (PMID: 18634022, 25122203). For these reasons, this variant has been classified as Pathogenic.

Color Diagnostics, LLC DBA Color Health
Classification: Likely pathogenic for Hereditary cancer-predisposing syndrome. Last evaluated: 2024-03-04. Review status: criteria provided, single submitter. Criteria: ACMG Guidelines, 2015. Collection method: clinical testing. Allele origin: germline.
Comment: This missense variant replaces histidine with arginine at codon 1083 of the ATM protein. Computational prediction is inconclusive regarding the impact of this variant on protein structure and function. Functional studies conducted in in vitro assays have shown that this variant reduced protein expression, induced radiosensitivity, and reduced kinase activity (PMID: 18634022, 31050087). This variant has been observed in either presumed or confirmed compound heterozygosity with three different pathogenic truncation variants in individuals affected with autosomal recessive ataxia-telangiectasia (PMID: 12552559, 18634022, 21665257, 18634022, 31050087), indicating that this variant contributes to disease. This variant has not been identified in the general population by the Genome Aggregation Database (gnomAD). Based on the available evidence, this variant is classified as Likely Pathogenic.

Myriad Genetics, Inc.
Classification: Likely pathogenic for Familial cancer of breast. Last evaluated: 2024-01-19. Review status: criteria provided, single submitter. Criteria: Myriad Autosomal Dominant, Autosomal Recessive and X-Linked Classification Criteria (2023). Collection method: clinical testing. Allele origin: unknown.
Comment: This variant is considered likely pathogenic. This variant has been reported in multiple individuals with clinical features of gene-specific disease [PMID: 18634022, 21665257, 31050087]. Functional studies indicate this variant impacts protein function [PMID: 18634022, 31050087].

Ambry Genetics
Classification: Likely pathogenic for Hereditary cancer-predisposing syndrome. Last evaluated: 2023-02-21. Review status: criteria provided, single submitter. Criteria: Ambry Variant Classification Scheme 2023. Collection method: clinical testing. Allele origin: germline.
Comment: The p.H1083R variant (also known as c.3248A>G), located in coding exon 21 of the ATM gene, results from an A to G substitution at nucleotide position 3248. The histidine at codon 1083 is replaced by arginine, an amino acid with highly similar properties. This alteration has been reported in individuals with ataxia-telangiectasia (Buzin CH et al. Hum Mutat, 2003 Feb;21:123-31; Mitui M et al. Hum Mutat, 2009 Jan;30:12-21; Fi&eacute;vet A et al. Hum Mutat, 2019 10;40:1713-1730). In one functional study, this variant showed abnormal ATM protein levels and abnormal radio-sensitivity (Mitui M et al. Hum Mutat, 2009 Jan;30:12-21). This variant is considered to be rare based on population cohorts in the Genome Aggregation Database (gnomAD). This amino acid position is highly conserved in available vertebrate species. In addition, this alteration is predicted to be deleterious by in silico analysis. Based on the majority of available evidence to date, this variant is likely to be pathogenic.

Laboratory for Molecular Medicine, Mass General Brigham Personalized Medicine
Classification: Likely pathogenic for Ataxia-telangiectasia syndrome. Last evaluated: 2022-11-03. Review status: criteria provided, single submitter. Criteria: ACMG Guidelines, 2015. Collection method: clinical testing. Allele origin: germline.
Comment: The p.His1083Arg variant in ATM has been reported in the compound heterozygous state in 2 brothers with atypical ataxia telangiectasia and in another unrelated individual (in trans with a loss of function variant) (Buzin 2003 PMID: 12552559, Mitui 2009 PMID: 18634022, Fievet 2019 PMID: 31050087), it has been reported in ClinVar (Variation ID 1013733) and was absent from large population studies. Computational prediction tools and conservation analyses do not provide strong support for or against an impact to the protein. In vitro functional studies support an impact on protein function (Mitui 2009 PMID: 18634022). In summary, although additional studies are required to fully establish its clinical significance, this variant meets criteria to be classified as likely pathogenic for autosomal recessive ataxia telangiectasia. ACMG/AMP Criteria applied: PM2_supporting, PS3_Moderate, PM3_Strong.

Literature cited by the submitters: PubMed 12552559 (cited by 3 submitters); PubMed 18634022 (cited by 4 submitters); PubMed 21665257 (cited by 4 submitters); PubMed 25122203 (cited by Labcorp Genetics (formerly Invitae), Labcorp); PubMed 31050087 (cited by 3 submitters); PubMed 31691010 (cited by Ambry Genetics).